The following is an entry in ClinVar:

NM_000388.4(CASR):c.1550A>T (p.Lys517Met)

Gene: CASR (calcium sensing receptor; plus strand). Cytogenetic location: 3q21.1.
Variant type: single nucleotide variant.
Coding change: c.1550A>T on transcript NM_000388.4 (MANE Select); coding-DNA position 1550, A replaced by T.
Protein change: p.Lys517Met; replaces lysine 517 with methionine.
Molecular consequence: missense variant.
Genome position (GRCh38, 1-based): chr3:122,275,984, A>T. VCF-style: chr3-122275984-A-T. GRCh37 (hg19) VCF-style: chr3-121994831-A-T.
Other names: c.1550A>T, p.Lys517Met (NM_001178065.2); short protein forms K517M.
Identifiers: ClinVar variation 1407353 (VCV001407353.8), dbSNP rs2107643696, ClinGen allele CA354155382.
Genomic context (GRCh38, chr3:122,275,984, plus strand): 5'-CCCCAGAGGATGGCTCCATCGTGTTTAAGGAAGTCGGGTATTACAACGTCTATGCCAAGA[A>T]GGGAGAAAGACTCTTCATCAACGAGGAGAAAATCCTGTGGAGTGGGTTCTCCAGGGAGGT-3'
Protein context (NP_000379.3, residues 507-527): EVGYYNVYAK[Lys517Met]GERLFINEEK

ClinVar aggregate classification (germline): Uncertain significance (1 of 4 stars; one submission).

Conditions:
Familial hypocalciuric hypercalcemia (FHH). Also called: Familial benign hypercalcemia. Identifiers: Orphanet 405, MedGen C1809471, MONDO:0018458.
Autosomal dominant hypocalcemia 1 (HYPOC1). Also called: HYPOCALCEMIA, FAMILIAL. Identifiers: MedGen C3715128, MONDO:0011013, OMIM 601198.

Submission:

Labcorp Genetics (formerly Invitae), Labcorp
Classification: Uncertain significance for Familial hypocalciuric hypercalcemia; Autosomal dominant hypocalcemia 1. Last evaluated: 2021-07-26. Review status: criteria provided, single submitter. Criteria: Invitae Variant Classification Sherloc (09022015). Collection method: clinical testing. Allele origin: germline.
Comment: In summary, the available evidence is currently insufficient to determine the role of this variant in disease. Therefore, it has been classified as a Variant of Uncertain Significance. Algorithms developed to predict the effect of missense changes on protein structure and function are either unavailable or do not agree on the potential impact of this missense change (SIFT: "Deleterious"; PolyPhen-2: "Possibly Damaging"; Align-GVGD: "Class C0"). This variant has not been reported in the literature in individuals affected with CASR-related conditions. This variant is not present in population databases (ExAC no frequency). This sequence change replaces lysine with methionine at codon 517 of the CASR protein (p.Lys517Met). The lysine residue is highly conserved and there is a moderate physicochemical difference between lysine and methionine.